The following is an entry in ClinVar:

NM_000632.4(ITGAM):c.3313C>A (p.Pro1105Thr)

Gene: ITGAM (integrin subunit alpha M; plus strand). Cytogenetic location: 16p11.2.
Variant type: single nucleotide variant.
Coding change: c.3313C>A on transcript NM_000632.4 (MANE Select); coding-DNA position 3313, C replaced by A.
Protein change: p.Pro1105Thr; replaces proline 1105 with threonine.
Molecular consequence: missense variant.
Genome position (GRCh38, 1-based): chr16:31,331,201, C>A. VCF-style: chr16-31331201-C-A. GRCh37 (hg19) VCF-style: chr16-31342522-C-A.
Other names: c.3316C>A, p.Pro1106Thr (NM_001145808.2); short protein forms P1105T, P1106T.
Identifiers: ClinVar variation 2782472 (VCV002782472.3), dbSNP rs568433102, ClinGen allele CA8026161.

ClinVar aggregate classification (germline): Uncertain significance (1 of 4 stars; one submission).

gnomAD v4.1: 4 of 1,613,228 alleles (0.00025%); highest among the groups gnomAD compares: Non-Finnish European, 0.00034%; no homozygotes.

Submission:

Labcorp Genetics (formerly Invitae), Labcorp
Classification: Uncertain significance. Last evaluated: 2023-12-22. Review status: criteria provided, single submitter. Criteria: Invitae Variant Classification Sherloc (09022015). Collection method: clinical testing. Allele origin: germline.
Comment: This sequence change replaces proline, which is neutral and non-polar, with threonine, which is neutral and polar, at codon 1105 of the ITGAM protein (p.Pro1105Thr). This variant is present in population databases (rs568433102, gnomAD 0.0009%). This variant has not been reported in the literature in individuals affected with ITGAM-related conditions. An algorithm developed to predict the effect of missense changes on protein structure and function (PolyPhen-2) suggests that this variant is likely to be disruptive. In summary, the available evidence is currently insufficient to determine the role of this variant in disease. Therefore, it has been classified as a Variant of Uncertain Significance.